The following is an entry in ClinVar:

ClinVar aggregate classification (germline): Uncertain significance. Review status: criteria provided, multiple submitters, no conflicts (2 of 4 stars). 3 submissions from 3 submitters: Uncertain significance (3). Last evaluated 2025-07-19.

Conditions:
RP1-related retinal dystrophy.

Allele frequency attached by ClinVar (database versions not stated): TOPMed 0.00001; gnomAD exomes below 0.00001.

Submissions (3):

Labcorp Genetics (formerly Invitae), Labcorp
Classification: Uncertain significance. Last evaluated: 2025-07-19. Review status: criteria provided, single submitter. Criteria: Invitae Variant Classification Sherloc (09022015). Collection method: clinical testing. Allele origin: germline.
Comment: This sequence change replaces glycine, which is neutral and non-polar, with arginine, which is basic and polar, at codon 217 of the RP1 protein (p.Gly217Arg). This variant is present in population databases (no rsID available, gnomAD 0.0009%). This variant has not been reported in the literature in individuals affected with RP1-related conditions. ClinVar contains an entry for this variant (Variation ID: 873521). An algorithm developed to predict the effect of missense changes on protein structure and function (PolyPhen-2) suggests that this variant is likely to be disruptive. In summary, the available evidence is currently insufficient to determine the role of this variant in disease. Therefore, it has been classified as a Variant of Uncertain Significance.

Blueprint Genetics
Classification: Uncertain significance. Last evaluated: 2023-08-07. Review status: criteria provided, single submitter. Criteria: ACMG Guidelines, 2015. Collection method: clinical testing. Allele origin: germline.

Illumina Laboratory Services, Illumina
Classification: Uncertain significance for RP1-related retinal dystrophy. Last evaluated: 2020-01-22. Review status: criteria provided, single submitter. Criteria: ICSLVariantClassificationCriteria RUGD 01 April 2020. Collection method: clinical testing. Allele origin: unknown.
Comment: The RP1 c.649G>A (p.Gly217Arg) variant is a missense variant. A literature search was performed for the gene, cDNA change, and amino acid change. No publications were identified through this search. The p.Gly217Arg variant is present on one allele in the European (non-Finnish) population of the Genome Aggregation Database and is therefore presumed to be rare. Multiple in silico tools predict this variant will have a deleterious effect, but these predictions have not been tested experimentally. Based on the limited evidence available, the p.Gly217Arg variant is classified as a variant of unknown significance for RP1-related retinal dystrophy.

NM_006269.2(RP1):c.649G>A (p.Gly217Arg)

Gene: RP1 (RP1 axonemal microtubule associated; plus strand). Cytogenetic location: 8q12.1.
Variant type: single nucleotide variant.
Coding change: c.649G>A on transcript NM_006269.2 (MANE Select); coding-DNA position 649, G replaced by A.
Protein change: p.Gly217Arg; replaces glycine 217 with arginine.
Molecular consequence: missense variant.
Genome position (GRCh38, 1-based): chr8:54,622,150, G>A. VCF-style: chr8-54622150-G-A. GRCh37 (hg19) VCF-style: chr8-55534710-G-A.
Other names: c.649G>A, p.Gly217Arg (NM_001375654.1); short protein forms G217R.
Identifiers: ClinVar variation 873521 (VCV000873521.6), dbSNP rs1339553429, ClinGen allele CA370987887.